The following is an entry in ClinVar:

ClinVar aggregate classification (germline): Benign/Likely benign. Review status: criteria provided, multiple submitters, no conflicts (2 of 4 stars). 4 submissions from 4 submitters: Benign (1); Likely benign (2). 1 of the submissions does not count toward it. Last evaluated 2026-01-19.

Conditions:
ZMIZ1-related disorder. Also called: ZMIZ1-related condition.

Allele frequency attached by ClinVar (database versions not stated): gnomAD exomes 0.00004 and 0.00018; gnomAD 0.00007 and 0.00009; ExAC 0.00016; TOPMed 0.00019; 1000 Genomes Project 0.00040; 1000 Genomes Project 30x 0.00047.
gnomAD v4.1: 75 of 1,613,872 alleles (0.0046%); highest among the groups gnomAD compares: Admixed American, 0.077%; no homozygotes.

Submissions (4):

Labcorp Genetics (formerly Invitae), Labcorp
Classification: Benign. Last evaluated: 2026-01-19. Review status: criteria provided, single submitter. Criteria: Invitae Variant Classification Sherloc (09022015). Collection method: clinical testing. Allele origin: germline.

Blueprint Genetics
Classification: Likely benign. Last evaluated: 2024-06-28. Review status: criteria provided, single submitter. Criteria: ACMG Guidelines, 2015. Collection method: clinical testing. Allele origin: germline.

CeGaT Center for Human Genetics Tuebingen
Classification: Likely benign. Last evaluated: 2023-02-01. Review status: criteria provided, single submitter. Criteria: CeGaT Center For Human Genetics Tuebingen Variant Classification Criteria Version 2. Collection method: clinical testing. Allele origin: germline. Affected: yes. Observed: 1 variant allele.
Comment: ZMIZ1: BP4, BP7

PreventionGenetics, part of Exact Sciences
Classification: Likely benign for ZMIZ1-related condition. Last evaluated: 2023-05-26. Review status: no assertion criteria provided. Collection method: clinical testing. Allele origin: germline. Not counted in ClinVar's aggregate classification.
Comment: This variant is classified as likely benign based on ACMG/AMP sequence variant interpretation guidelines (Richards et al. 2015 PMID: 25741868, with internal and published modifications).

NM_020338.4(ZMIZ1):c.1881G>A (p.Ser627=)

Gene: ZMIZ1 (zinc finger MIZ-type containing 1; plus strand). Cytogenetic location: 10q22.3.
Variant type: single nucleotide variant.
Coding change: c.1881G>A on transcript NM_020338.4 (MANE Select); coding-DNA position 1881, G replaced by A.
Protein change: p.Ser627=; no amino-acid change (serine 627 retained).
Molecular consequence: synonymous variant.
Genome position (GRCh38, 1-based): chr10:79,300,804, G>A. VCF-style: chr10-79300804-G-A. GRCh37 (hg19) VCF-style: chr10-81060561-G-A.
Other names: c.1881G>A (NM_020338.3).
Identifiers: ClinVar variation 1600959 (VCV001600959.34), dbSNP rs146439414, ClinGen allele CA5572839.